The following is an entry in ClinVar:

ClinVar aggregate classification (germline): Uncertain significance (1 of 4 stars; one submission).

Allele frequency attached by ClinVar (database versions not stated): gnomAD exomes 0.00001.
gnomAD v4.1: 3 of 1,613,924 alleles (0.00019%); highest among the groups gnomAD compares: East Asian, 0.0067%; no homozygotes.

Submission:

Labcorp Genetics (formerly Invitae), Labcorp
Classification: Uncertain significance. Last evaluated: 2022-04-11. Review status: criteria provided, single submitter. Criteria: Invitae Variant Classification Sherloc (09022015). Collection method: clinical testing. Allele origin: germline.
Comment: This sequence change replaces glycine, which is neutral and non-polar, with arginine, which is basic and polar, at codon 256 of the GZF1 protein (p.Gly256Arg). This variant is present in population databases (no rsID available, gnomAD 0.006%). This variant has not been reported in the literature in individuals affected with GZF1-related conditions. Algorithms developed to predict the effect of missense changes on protein structure and function output the following: SIFT: "Not Available"; PolyPhen-2: "Benign"; Align-GVGD: "Not Available". The arginine amino acid residue is found in multiple mammalian species, which suggests that this missense change does not adversely affect protein function. In summary, the available evidence is currently insufficient to determine the role of this variant in disease. Therefore, it has been classified as a Variant of Uncertain Significance.

NM_022482.5(GZF1):c.766G>A (p.Gly256Arg)

Gene: GZF1 (GDNF inducible zinc finger protein 1; plus strand). Cytogenetic location: 20p11.21.
Variant type: single nucleotide variant.
Coding change: c.766G>A on transcript NM_022482.5 (MANE Select); coding-DNA position 766, G replaced by A.
Protein change: p.Gly256Arg; replaces glycine 256 with arginine.
Molecular consequence: missense variant.
Genome position (GRCh38, 1-based): chr20:23,365,149, G>A. VCF-style: chr20-23365149-G-A. GRCh37 (hg19) VCF-style: chr20-23345786-G-A.
Other names: c.766G>A, p.Gly256Arg (NM_001317012.2, NM_001317019.1); short protein forms G256R.
Identifiers: ClinVar variation 1965206 (VCV001965206.2), dbSNP rs1484953697, ClinGen allele CA408410281.